The following is an entry in ClinVar:

NM_002203.4(ITGA2):c.327G>A (p.Met109Ile)

Gene: ITGA2 (integrin subunit alpha 2; plus strand). Cytogenetic location: 5q11.2.
Variant type: single nucleotide variant.
Coding change: c.327G>A on transcript NM_002203.4 (MANE Select); coding-DNA position 327, G replaced by A.
Protein change: p.Met109Ile; replaces methionine 109 with isoleucine.
Molecular consequence: missense variant. On other transcripts: non-coding transcript variant (5).
Genome position (GRCh38, 1-based): chr5:53,045,032, G>A. VCF-style: chr5-53045032-G-A. GRCh37 (hg19) VCF-style: chr5-52340862-G-A.
Other names: short protein forms M109I.
Identifiers: ClinVar variation 353734 (VCV000353734.9), dbSNP rs188816090, ClinGen allele CA3262581.
Genomic context (GRCh38, chr5:53,045,032, plus strand): 5'-ACTTTTAAAAATTGTTTTCCCTTTGAAAGCTTCAACAAGCATTCCAAATGTTACTGAGAT[G>A]AAAACCAACATGAGCCTCGGCTTGATCCTCACCAGGAACATGGGAACTGGAGGTTTTCTC-3'
Protein context (NP_002194.2, residues 99-119): TSTSIPNVTE[Met109Ile]KTNMSLGLIL

ClinVar aggregate classification (germline): Benign/Likely benign. Review status: criteria provided, multiple submitters, no conflicts (2 of 4 stars). 3 submissions from 3 submitters: Benign (2); Likely benign (1). Last evaluated 2026-06-12.

Conditions:
Platelet-type bleeding disorder 9 (BDPLT9). Also called: GLYCOPROTEIN Ia DEFICIENCY; GP Ia DEFICIENCY; COLLAGEN PLATELET RECEPTOR DEFICIENCY. Identifiers: Orphanet 73271, Orphanet 98886, MedGen C3280114, MONDO:0013622, OMIM 614200.
ITGA2-related disorder. Also called: ITGA2-related condition.

Allele frequency attached by ClinVar (database versions not stated): gnomAD exomes 0.00107; 1000 Genomes Project 0.00220; 1000 Genomes Project 30x 0.00250; TOPMed 0.00058; gnomAD 0.00059 and 0.00039; ExAC 0.00099.

Submissions (3):

PreventionGenetics, part of Exact Sciences
Classification: Likely benign for ITGA2-related condition. Last evaluated: 2026-06-12. Review status: criteria provided, single submitter. Criteria: ACMG Guidelines, 2015. Collection method: clinical testing. Allele origin: germline.
Comment: This variant is classified as likely benign based on ACMG/AMP sequence variant interpretation guidelines (Richards et al. 2015 PMID: 25741868, with internal and published modifications).

Illumina Laboratory Services, Illumina
Classification: Benign for Platelet-type bleeding disorder 9. Last evaluated: 2018-01-13. Review status: criteria provided, single submitter. Criteria: ICSL Variant Classification Criteria 13 December 2019. Collection method: clinical testing. Allele origin: germline.
Comment: This variant was observed in the ICSL laboratory as part of a predisposition screen in an ostensibly healthy population. It had not been previously curated by ICSL or reported in the Human Gene Mutation Database (HGMD: prior to June 1st, 2018), and was therefore a candidate for classification through an automated scoring system. Utilizing variant allele frequency, disease prevalence and penetrance estimates, and inheritance mode, an automated score was calculated to assess if this variant is too frequent to cause the disease. Based on the score and internal cut-off values, a variant classified as benign is not then subjected to further curation. The score for this variant resulted in a classification of benign for this disease.

Labcorp Genetics (formerly Invitae), Labcorp
Classification: Benign. Last evaluated: 2017-06-19. Review status: criteria provided, single submitter. Criteria: Invitae Variant Classification Sherloc (09022015). Collection method: clinical testing. Allele origin: germline.